The following is an entry in ClinVar:

ClinVar aggregate classification (germline): Likely benign. Review status: criteria provided, multiple submitters, no conflicts (2 of 4 stars). 4 submissions from 4 submitters: Likely benign (3). 1 of the submissions does not count toward it. Last evaluated 2025-10-01.

Conditions:
RAB3GAP1-related disorder. Also called: RAB3GAP1-related disorders; RAB3GAP1-related condition.
Warburg micro syndrome 1 (WARBM1). Identifiers: Orphanet 2510, MedGen C1838625, MONDO:0010822, OMIM 600118.

Allele frequency attached by ClinVar (database versions not stated): gnomAD exomes 0.00030; ExAC 0.00041; TOPMed 0.00129; gnomAD 0.00135 and 0.00146; ESP Exome Variant Server 0.00138; 1000 Genomes Project 30x 0.00172; 1000 Genomes Project 0.00200.
gnomAD v4.1: 393 of 1,564,150 alleles (0.025%); highest among the groups gnomAD compares: African/African-American, 0.49%; 1 homozygote.

Submissions (4):

Labcorp Genetics (formerly Invitae), Labcorp
Classification: Likely benign. Last evaluated: 2025-10-01. Review status: criteria provided, single submitter. Criteria: Invitae Variant Classification Sherloc (09022015). Collection method: clinical testing. Allele origin: germline.

GeneDx
Classification: Likely benign. Last evaluated: 2025-05-20. Review status: criteria provided, single submitter. Criteria: GeneDx Variant Classification Process June 2021. Collection method: clinical testing. Allele origin: germline. Affected: yes.
Comment: See Variant Classification Assertion Criteria.

Illumina Laboratory Services, Illumina
Classification: Likely benign for Warburg micro syndrome 1. Last evaluated: 2018-01-13. Review status: criteria provided, single submitter. Criteria: ICSL Variant Classification Criteria 13 December 2019. Collection method: clinical testing. Allele origin: germline.
Comment: This variant was observed in the ICSL laboratory as part of a predisposition screen in an ostensibly healthy population. It had not been previously curated by ICSL or reported in the Human Gene Mutation Database (HGMD: prior to June 1st, 2018), and was therefore a candidate for classification through an automated scoring system. Utilizing variant allele frequency, disease prevalence and penetrance estimates, and inheritance mode, an automated score was calculated to assess if this variant is too frequent to cause the disease. Based on the score and internal cut-off values, a variant classified as likely benign is not then subjected to further curation. The score for this variant resulted in a classification of likely benign for this disease.

PreventionGenetics, part of Exact Sciences
Classification: Likely benign for RAB3GAP1-related condition. Last evaluated: 2022-07-29. Review status: no assertion criteria provided. Collection method: clinical testing. Allele origin: germline. Not counted in ClinVar's aggregate classification.
Comment: This variant is classified as likely benign based on ACMG/AMP sequence variant interpretation guidelines (Richards et al. 2015 PMID: 25741868, with internal and published modifications).

NM_012233.3(RAB3GAP1):c.1307C>T (p.Pro436Leu)

Gene: RAB3GAP1 (RAB3 GTPase activating protein catalytic subunit 1; plus strand). Cytogenetic location: 2q21.3.
Variant type: single nucleotide variant.
Coding change: c.1307C>T on transcript NM_012233.3 (MANE Select); coding-DNA position 1307, C replaced by T.
Protein change: p.Pro436Leu; replaces proline 436 with leucine.
Molecular consequence: missense variant.
Genome position (GRCh38, 1-based): chr2:135,132,965, C>T. VCF-style: chr2-135132965-C-T. GRCh37 (hg19) VCF-style: chr2-135890535-C-T.
Other names: c.1307C>T, p.Pro436Leu (NM_001172435.2); short protein forms P436L.
Identifiers: ClinVar variation 331127 (VCV000331127.19), dbSNP rs75269203, ClinGen allele CA1884806.